The following is an entry in ClinVar:

NM_001807.6(CEL):c.554G>A (p.Arg185Gln)

Gene: CEL (carboxyl ester lipase; plus strand). Cytogenetic location: 9q34.13.
Variant type: single nucleotide variant.
Coding change: c.554G>A on transcript NM_001807.6 (MANE Select); coding-DNA position 554, G replaced by A.
Protein change: p.Arg185Gln; replaces arginine 185 with glutamine.
Molecular consequence: missense variant.
Genome position (GRCh38, 1-based): chr9:133,066,545, G>A. VCF-style: chr9-133066545-G-A. GRCh37 (hg19) VCF-style: chr9-135941932-G-A.
Other names: c.554G>A (NM_001807.5); short protein forms R185Q.
Identifiers: ClinVar variation 1219929 (VCV001219929.11), dbSNP rs141665160, ClinGen allele CA5303059.

ClinVar aggregate classification (germline): Likely benign. Review status: criteria provided, multiple submitters, no conflicts (2 of 4 stars). 8 submissions from 8 submitters: Likely benign (5). 3 of the submissions do not count toward it. Last evaluated 2026-06-01.

Conditions:
Maturity-onset diabetes of the young type 8 (MODY8). Also called: DIABETES-PANCREATIC EXOCRINE DYSFUNCTION SYNDROME; DIABETES AND PANCREATIC EXOCRINE DYSFUNCTION. Identifiers: Orphanet 552, MedGen C1853297, MONDO:0012348, OMIM 609812.

Allele frequency attached by ClinVar (database versions not stated): ExAC 0.00060; gnomAD exomes 0.00062 and 0.00132; TOPMed 0.00074; gnomAD 0.00075 and 0.00076; 1000 Genomes Project 30x 0.00078; 1000 Genomes Project 0.00080; ESP Exome Variant Server 0.00123.

Submissions (8):

CeGaT Center for Human Genetics Tuebingen
Classification: Likely benign. Last evaluated: 2026-06-01. Review status: criteria provided, single submitter. Criteria: CeGaT Center For Human Genetics Tuebingen Variant Classification Criteria Version 2. Collection method: clinical testing. Allele origin: germline. Affected: yes. Observed: 1 variant allele.
Comment: CEL: BP4

Blueprint Genetics
Classification: Likely benign. Last evaluated: 2024-09-24. Review status: criteria provided, single submitter. Criteria: ACMG Guidelines, 2015. Collection method: clinical testing. Allele origin: germline.

ARUP Laboratories, Molecular Genetics and Genomics, ARUP Laboratories
Classification: Likely benign for Maturity-onset diabetes of the young type 8. Last evaluated: 2023-10-02. Review status: criteria provided, single submitter. Criteria: ARUP Molecular Germline Variant Investigation Process 2024. Collection method: clinical testing. Allele origin: germline.

GeneDx
Classification: Likely benign. Last evaluated: 2018-10-17. Review status: criteria provided, single submitter. Criteria: GeneDx Variant Classification Process June 2021. Collection method: clinical testing. Allele origin: germline. Affected: yes.

Breakthrough Genomics
Classification: Likely benign. Review status: criteria provided, single submitter. Criteria: ACMG Guidelines, 2015. Collection method: not provided. Allele origin: germline. Inheritance: Autosomal dominant inheritance. Affected: yes.

Genetic Services Laboratory, University of Chicago
Classification: Likely benign. Last evaluated: 2022-11-08. Review status: no assertion criteria provided. Collection method: clinical testing. Allele origin: germline. Affected: no. Not counted in ClinVar's aggregate classification.

Diagnostic Laboratory, Department of Genetics, University Medical Center Groningen
Classification: Likely benign. Review status: no assertion criteria provided. Collection method: clinical testing. Allele origin: germline. Affected: yes. Study: VKGL Data-share Consensus. Not counted in ClinVar's aggregate classification.

Laboratory of Diagnostic Genome Analysis, Leiden University Medical Center (LUMC)
Classification: Likely benign. Review status: no assertion criteria provided. Collection method: clinical testing. Allele origin: germline. Affected: yes. Study: VKGL Data-share Consensus. Not counted in ClinVar's aggregate classification.